The following is an entry in ClinVar:

NM_000089.4(COL1A2):c.2339G>A (p.Gly780Glu)

Gene: COL1A2 (collagen type I alpha 2 chain; plus strand). Cytogenetic location: 7q21.3.
Variant type: single nucleotide variant.
Coding change: c.2339G>A on transcript NM_000089.4 (MANE Select); coding-DNA position 2339, G replaced by A.
Protein change: p.Gly780Glu; replaces glycine 780 with glutamic acid.
Molecular consequence: missense variant.
Genome position (GRCh38, 1-based): chr7:94,421,052, G>A. VCF-style: chr7-94421052-G-A. GRCh37 (hg19) VCF-style: chr7-94050364-G-A.
Other names: short protein forms G780E.
Identifiers: ClinVar variation 3752073 (VCV003752073.3).

ClinVar aggregate classification (germline): Uncertain significance. Review status: criteria provided, multiple submitters, no conflicts (2 of 4 stars). 2 submissions from 2 submitters: Uncertain significance (2). Last evaluated 2026-03-12.

Conditions:
Osteogenesis imperfecta type I (OI1). Also called: Lobstein's Disease; Classic Non-deforming Osteogenesis Imperfecta with Blue Sclerae; OI, TYPE I; OSTEOGENESIS IMPERFECTA TARDA; OSTEOGENESIS IMPERFECTA WITH BLUE SCLERAE; Lobstein disease. Identifiers: Orphanet 216796, Orphanet 666, MedGen C0023931, MONDO:0008146, OMIM 166200. Disease mechanism: loss of function.
Ehlers-Danlos syndrome, classic type, 1 (EDSCL1). Also called: Ehlers-Danlos syndrome, type 1; Ehlers-Danlos Syndrome, Classic Type, COL5A1-Related; EHLERS-DANLOS SYNDROME, GRAVIS TYPE; EHLERS-DANLOS SYNDROME, SEVERE CLASSIC TYPE; EDS I. Identifiers: MedGen C0268335, MONDO:0019567, OMIM 130000.

gnomAD v4.1: 84 of 1,614,140 alleles (0.0052%); highest among the groups gnomAD compares: Non-Finnish European, 0.0071%; no homozygotes.

Submissions (2):

GeneDx
Classification: Uncertain significance. Last evaluated: 2026-03-12. Review status: criteria provided, single submitter. Criteria: GeneDx Variant Classification Process June 2021. Collection method: clinical testing. Allele origin: germline.
Comment: Not observed at significant frequency in large population cohorts (gnomAD); In silico analysis suggests that this missense variant does not alter protein structure/function; Has not been previously published as pathogenic or benign to our knowledge; Occurs in the triple helical domain at the Y position in the canonical Gly-X-Y repeat; although this variant may have an effect on normal protein folding and function, missense substitution at the Y position is not a common mechanism of disease (HGMD)

Labcorp Genetics (formerly Invitae), Labcorp
Classification: Uncertain significance for Osteogenesis imperfecta type I; Ehlers-Danlos syndrome, classic type, 1. Last evaluated: 2024-02-16. Review status: criteria provided, single submitter. Criteria: Invitae Variant Classification Sherloc (09022015). Collection method: clinical testing. Allele origin: germline.
Comment: This sequence change replaces glycine, which is neutral and non-polar, with glutamic acid, which is acidic and polar, at codon 780 of the COL1A2 protein (p.Gly780Glu). This variant is present in population databases (no rsID available, gnomAD 0.0009%). This variant has not been reported in the literature in individuals affected with COL1A2-related conditions. Advanced modeling of protein sequence and biophysical properties (such as structural, functional, and spatial information, amino acid conservation, physicochemical variation, residue mobility, and thermodynamic stability) performed at Invitae indicates that this missense variant is not expected to disrupt COL1A2 protein function with a negative predictive value of 95%. In summary, the available evidence is currently insufficient to determine the role of this variant in disease. Therefore, it has been classified as a Variant of Uncertain Significance.